The following is an entry in ClinVar:

NM_001036.6(RYR3):c.8724C>T (p.Ala2908=)

Gene: RYR3 (ryanodine receptor 3; plus strand). Cytogenetic location: 15q14.
Variant type: single nucleotide variant.
Coding change: c.8724C>T on transcript NM_001036.6 (MANE Select); coding-DNA position 8724, C replaced by T.
Protein change: p.Ala2908=; no amino-acid change (alanine 2908 retained).
Molecular consequence: synonymous variant.
Genome position (GRCh38, 1-based): chr15:33,768,676, C>T. VCF-style: chr15-33768676-C-T. GRCh37 (hg19) VCF-style: chr15-34060877-C-T.
Other names: c.8724C>T, p.Ala2908= (NM_001243996.4).
Identifiers: ClinVar variation 461974 (VCV000461974.14), dbSNP rs199745365, ClinGen allele CA7460301.
Genomic context (GRCh38, chr15:33,768,676, plus strand): 5'-TAATCTCTGTGACTTTCTGAATTGCTTTCTTTTCTGCTTCAGCCTGTTCTGCAAACTTGC[C>T]GCTCTCGTTAGACACAGAATTTCCCTCTTTGGTAAGTGAAGTGTTGCTCAAGGTACCGCT-3'
Protein context (NP_001027.3, residues 2898-2918): EMVAGLFCKL[Ala2908=]ALVRHRISLF

ClinVar aggregate classification (germline): Likely benign. Review status: criteria provided, single submitter (1 of 4 stars). 2 submissions from 2 submitters: Likely benign (1). 1 of the submissions does not count toward it. Last evaluated 2020-02-22.

Conditions:
Epileptic encephalopathy. Identifiers: MedGen C0543888, HP:0200134.
RYR3-related disorder. Also called: RYR3-related condition.

Allele frequency attached by ClinVar (database versions not stated): gnomAD 0.00011 and 0.00012; gnomAD exomes 0.00014 and 0.00020; TOPMed 0.00017; ESP Exome Variant Server 0.00025; 1000 Genomes Project 30x 0.00031; ExAC 0.00036.
gnomAD v4.1: 233 of 1,613,942 alleles (0.014%); highest among the groups gnomAD compares: East Asian, 0.025%; no homozygotes.

Submissions (2):

Labcorp Genetics (formerly Invitae), Labcorp
Classification: Likely benign for Epileptic encephalopathy. Last evaluated: 2020-02-22. Review status: criteria provided, single submitter. Criteria: Invitae Variant Classification Sherloc (09022015). Collection method: clinical testing. Allele origin: germline.

PreventionGenetics, part of Exact Sciences
Classification: Likely benign for RYR3-related condition. Last evaluated: 2019-09-09. Review status: no assertion criteria provided. Collection method: clinical testing. Allele origin: germline. Not counted in ClinVar's aggregate classification.
Comment: This variant is classified as likely benign based on ACMG/AMP sequence variant interpretation guidelines (Richards et al. 2015 PMID: 25741868, with internal and published modifications).